The following is an entry in ClinVar:

NM_003748.4(ALDH4A1):c.1314C>A (p.Asp438Glu)

Gene: ALDH4A1 (aldehyde dehydrogenase 4 family member A1; minus strand). Cytogenetic location: 1p36.13.
Variant type: single nucleotide variant.
Coding change: c.1314C>A on transcript NM_003748.4 (MANE Select); coding-DNA position 1314, C replaced by A.
Protein change: p.Asp438Glu; replaces aspartic acid 438 with glutamic acid.
Molecular consequence: missense variant. On other transcripts: intron variant (1).
Genome position (GRCh38, 1-based): chr1:18,876,339, G>T on the plus strand (C>A on the coding strand, the complement: ALDH4A1 is on the minus strand). VCF-style: chr1-18876339-G-T. GRCh37 (hg19) VCF-style: chr1-19202833-G-T.
Other names: c.1134C>A, p.Asp378Glu (NM_001161504.2); c.1314C>A, p.Asp438Glu (NM_170726.3); c.1186-836C>A (NM_001319218.2); short protein forms D378E, D438E.
Identifiers: ClinVar variation 1505012 (VCV001505012.8), dbSNP rs1330438587, ClinGen allele CA338747600.

ClinVar aggregate classification (germline): Uncertain significance (1 of 4 stars; one submission).

Conditions:
Hyperprolinemia type 2 (HYRPRO2). Also called: Delta-1-pyrroline-5-carboxylate dehydrogenase deficiency; 1-PYRROLINE-5-CARBOXYLATE DEHYDROGENASE DEFICIENCY; Deficiency of pyrroline-5-carboxylate reductase. Identifiers: Orphanet 79101, MedGen C2931835, MONDO:0009401, OMIM 239510.

Submission:

Labcorp Genetics (formerly Invitae), Labcorp
Classification: Uncertain significance for Hyperprolinemia type 2. Last evaluated: 2021-03-24. Review status: criteria provided, single submitter. Criteria: Invitae Variant Classification Sherloc (09022015). Collection method: clinical testing. Allele origin: germline.
Comment: In summary, the available evidence is currently insufficient to determine the role of this variant in disease. Therefore, it has been classified as a Variant of Uncertain Significance. Algorithms developed to predict the effect of missense changes on protein structure and function are either unavailable or do not agree on the potential impact of this missense change (SIFT: "Deleterious"; PolyPhen-2: "Possibly Damaging"; Align-GVGD: "Class C0"). This variant has not been reported in the literature in individuals with ALDH4A1-related conditions. This variant is not present in population databases (ExAC no frequency). This sequence change replaces aspartic acid with glutamic acid at codon 438 of the ALDH4A1 protein (p.Asp438Glu). The aspartic acid residue is highly conserved and there is a small physicochemical difference between aspartic acid and glutamic acid.